The following is an entry in ClinVar:

ClinVar aggregate classification (germline): Benign/Likely benign. Review status: criteria provided, multiple submitters, no conflicts (2 of 4 stars). 2 submissions from 2 submitters: Benign (1); Likely benign (1). Last evaluated 2025-09-10.

Conditions:
Melanoma, cutaneous malignant, susceptibility to, 3. Also called: Cutaneous malignant melanoma 3. Identifiers: Orphanet 618, MedGen C1836892, MONDO:0012183, OMIM 609048.
Familial melanoma. Also called: Hereditary melanoma; Hereditary cutaneous melanoma. Identifiers: Orphanet 618, MedGen C1512419, MONDO:0018961.

Submissions (2):

Labcorp Genetics (formerly Invitae), Labcorp
Classification: Likely benign for Familial melanoma. Last evaluated: 2025-09-10. Review status: criteria provided, single submitter. Criteria: Invitae Variant Classification Sherloc (09022015). Collection method: clinical testing. Allele origin: germline.

Myriad Genetics, Inc.
Classification: Benign for Melanoma, cutaneous malignant, susceptibility to, 3. Last evaluated: 2024-09-27. Review status: criteria provided, single submitter. Criteria: Myriad Autosomal Dominant, Autosomal Recessive and X-Linked Classification Criteria (2023). Collection method: clinical testing. Allele origin: unknown.
Comment: This variant is considered benign. This variant is a silent/synonymous amino acid change and it is not expected to impact splicing.

NM_000075.4(CDK4):c.900T>C (p.Gly300=)

Genes: CDK4 (cyclin dependent kinase 4; minus strand), TSPAN31 (tetraspanin 31; plus strand). Cytogenetic location: 12q14.1.
Variant type: single nucleotide variant.
Coding change: c.900T>C on transcript NM_000075.4 (MANE Select); coding-DNA position 900, T replaced by C.
Protein change: p.Gly300=; no amino-acid change (glycine 300 retained).
Molecular consequence: synonymous variant. On other transcripts: 3 prime UTR variant (3).
Genome position (GRCh38, 1-based): chr12:57,748,537, A>G on the plus strand (T>C on the coding strand, the complement: CDK4 is on the minus strand). VCF-style: chr12-57748537-A-G. GRCh37 (hg19) VCF-style: chr12-58142320-A-G.
Other names: c.*1247A>G (NM_001330168.2, NM_001330169.2, NM_005981.5).
Identifiers: ClinVar variation 3378747 (VCV003378747.2).